The following is an entry in ClinVar:

NM_018112.3(TMEM38B):c.466A>G (p.Thr156Ala)

Gene: TMEM38B (transmembrane protein 38B; plus strand). Cytogenetic location: 9q31.2.
Variant type: single nucleotide variant.
Coding change: c.466A>G on transcript NM_018112.3 (MANE Select); coding-DNA position 466, A replaced by G.
Protein change: p.Thr156Ala; replaces threonine 156 with alanine.
Molecular consequence: missense variant.
Genome position (GRCh38, 1-based): chr9:105,722,545, A>G. VCF-style: chr9-105722545-A-G. GRCh37 (hg19) VCF-style: chr9-108484826-A-G.
Other names: short protein forms T156A.
Identifiers: ClinVar variation 1477862 (VCV001477862.8), dbSNP rs1836357311, ClinGen allele CA374380506.
Genomic context (GRCh38, chr9:105,722,545, plus strand): 5'-TTACAGGAAAATTTGGCCAAATATTCTTGTTTTATTTTCATATTTTTAGGTGCAGGTGGT[A>G]CCATTATAACGAATTTTGAGAGGTTGGTAAAAGGAGATTGGAAACCAGAAGGTGATGAAT-3'
Protein context (NP_060582.1, residues 146-166): AIGWARGAGG[Thr156Ala]IITNFERLVK

ClinVar aggregate classification (germline): Uncertain significance (1 of 4 stars; one submission).

Allele frequency attached by ClinVar (database versions not stated): gnomAD 0.00001; gnomAD exomes 0.00001.
gnomAD v4.1: 9 of 1,613,342 alleles (0.00056%); highest among the groups gnomAD compares: East Asian, 0.0022%; no homozygotes.

Submission:

Labcorp Genetics (formerly Invitae), Labcorp
Classification: Uncertain significance. Last evaluated: 2021-07-26. Review status: criteria provided, single submitter. Criteria: Invitae Variant Classification Sherloc (09022015). Collection method: clinical testing. Allele origin: germline.
Comment: In summary, the available evidence is currently insufficient to determine the role of this variant in disease. Therefore, it has been classified as a Variant of Uncertain Significance. Algorithms developed to predict the effect of missense changes on protein structure and function output the following: SIFT: "Tolerated"; PolyPhen-2: "Benign"; Align-GVGD: "Class C0". The alanine amino acid residue is found in multiple mammalian species, which suggests that this missense change does not adversely affect protein function. This variant has not been reported in the literature in individuals affected with TMEM38B-related conditions. This variant is not present in population databases (ExAC no frequency). This sequence change replaces threonine with alanine at codon 156 of the TMEM38B protein (p.Thr156Ala). The threonine residue is weakly conserved and there is a small physicochemical difference between threonine and alanine.